The following is an entry in ClinVar:

NM_024702.3(ZNF750):c.277A>G (p.Asn93Asp)

Genes: TBCD (tubulin folding cofactor D), ZNF750 (zinc finger protein 750; minus strand). Cytogenetic location: 17q25.3.
Variant type: single nucleotide variant.
Coding change: c.277A>G on transcript NM_024702.3 (MANE Select); coding-DNA position 277, A replaced by G.
Protein change: p.Asn93Asp; replaces asparagine 93 with aspartic acid.
Molecular consequence: missense variant. On other transcripts: intron variant (3).
Genome position (GRCh38, 1-based): chr17:82,832,178, T>C on the plus strand (A>G on the coding strand, the complement: ZNF750 is on the minus strand). VCF-style: chr17-82832178-T-C. GRCh37 (hg19) VCF-style: chr17-80790054-T-C.
Other names: c.1318+17244T>C (NM_005993.5, NM_001411102.1); c.1267+17244T>C (NM_001411101.1); short protein forms N93D.
Identifiers: ClinVar variation 711216 (VCV000711216.6), dbSNP rs151106442, ClinGen allele CA8862457.
Genomic context (GRCh38, chr17:82,832,178, plus strand): 5'-CCTTGATGTCTTCCCTGGCAGAGCTGTGCTGAAGCTTCGAGTCGAAGGCAGAGAGTCCAT[T>C]TGCGACAGACTTGGAAGAGGCTGGCTTCGCCGTGGCATCGGGCTGGTTGGTTTGCTTGGG-3'
Protein context (NP_078978.2, residues 83-103): AKPASSKSVA[Asn93Asp]GLSAFDSKLQ

ClinVar aggregate classification (germline): Benign. Review status: criteria provided, single submitter (1 of 4 stars). 2 submissions from 2 submitters: Benign (1). 1 of the submissions does not count toward it. Last evaluated 2019-12-31.

Conditions:
ZNF750-related disorder. Also called: ZNF750-related condition.

Allele frequency attached by ClinVar (database versions not stated): gnomAD exomes 0.00077 and 0.00192; ExAC 0.00227; gnomAD 0.00808 and 0.00872; 1000 Genomes Project 0.00879; 1000 Genomes Project 30x 0.00890; TOPMed 0.00934; ESP Exome Variant Server 0.00953.
gnomAD v4.1: 2,406 of 1,614,210 alleles (0.15%); highest among the groups gnomAD compares: African/African-American, 2.8%; 30 homozygotes.

Submissions (2):

Labcorp Genetics (formerly Invitae), Labcorp
Classification: Benign. Last evaluated: 2019-12-31. Review status: criteria provided, single submitter. Criteria: Invitae Variant Classification Sherloc (09022015). Collection method: clinical testing. Allele origin: germline.

PreventionGenetics, part of Exact Sciences
Classification: Benign for ZNF750-related condition. Last evaluated: 2019-03-14. Review status: no assertion criteria provided. Collection method: clinical testing. Allele origin: germline. Not counted in ClinVar's aggregate classification.
Comment: This variant is classified as benign based on ACMG/AMP sequence variant interpretation guidelines (Richards et al. 2015 PMID: 25741868, with internal and published modifications).